The following is an entry in ClinVar:

ClinVar aggregate classification (germline): Pathogenic (1 of 4 stars; one submission).

Conditions:
Werner syndrome (WRN). Identifiers: Orphanet 902, MedGen C0043119, MONDO:0010196, OMIM 277700.

Submission:

Labcorp Genetics (formerly Invitae), Labcorp
Classification: Pathogenic for Werner syndrome. Last evaluated: 2022-01-27. Review status: criteria provided, single submitter. Criteria: Invitae Variant Classification Sherloc (09022015). Collection method: clinical testing. Allele origin: germline.
Comment: For these reasons, this variant has been classified as Pathogenic. This variant has not been reported in the literature in individuals affected with WRN-related conditions. This variant is a gross deletion of the genomic region encompassing exon(s) 2-19 of the WRN gene, which includes the initiator codon. This deletion extends beyond the assayed region for this gene and therefore may encompass additional genes. It is expected to result in an absent or disrupted protein product. Loss-of-function variants in WRN are known to be pathogenic (PMID: 16673358).

Literature cited by the submitters: PubMed 16673358.

NC_000008.11:g.(?_31058448)_(31111809_?)del

Gene: WRN (WRN RecQ like helicase; plus strand). Cytogenetic location: 8p12.
Variant type: Deletion.
Identifiers: ClinVar variation 832139 (VCV000832139.6).